The following is an entry in ClinVar:

ClinVar aggregate classification (germline): Pathogenic (1 of 4 stars; one submission).

Conditions:
Intellectual developmental disorder with autism and macrocephaly. Also called: CHD8-Related Neurodevelopmental Disorder with Overgrowth; Autism, susceptibility to, 18. Identifiers: Orphanet 642675, MedGen C3554373, MONDO:0014017, OMIM 615032.

Submission:

Victorian Clinical Genetics Services, Murdoch Childrens Research Institute
Classification: Pathogenic for Intellectual developmental disorder with autism and macrocephaly. Last evaluated: 2025-04-30. Review status: criteria provided, single submitter. Criteria: ACMG Guidelines, 2015. Collection method: clinical testing. Allele origin: germline. Affected: yes.
Comment: This variant is classified as Pathogenic. Evidence in support of pathogenic classification: Variant is predicted to cause nonsense-mediated decay (NMD) and loss of protein (premature termination codon is located at least 54 nucleotides upstream of the final exon-exon junction); Variant is absent from gnomAD (v2, v3 and v4); Other NMD-predicted variant(s) comparable to the one identified in this case have very strong previous evidence for pathogenicity (DECIPHER); Additional information: This variant is heterozygous; This gene is associated with autosomal dominant disease; Loss of function is a known mechanism of disease in this gene and is associated with intellectual developmental disorder with autism and macrocephaly (MIM#615032).

NM_001170629.2(CHD8):c.3608_3617del (p.Phe1203fs)

Gene: CHD8 (chromodomain helicase DNA binding protein 8; minus strand). Cytogenetic location: 14q11.2.
Variant type: Deletion.
Coding change: c.3608_3617del on transcript NM_001170629.2 (MANE Select); coding-DNA positions 3608 to 3617, 10 bases deleted (TTGTCTTCTT; older notation c.3608_3617delTTGTCTTCTT).
Protein change: p.Phe1203fs; shifts the reading frame from phenylalanine 1203.
Molecular consequence: frameshift variant.
Genome position (GRCh38, 1-based): chr14:21,403,114-21,403,123, AAGAAGACAA deleted on the plus strand (TTGTCTTCTT on the coding strand, the reverse complement: CHD8 is on the minus strand); deleting any 10 consecutive bases within chr14:21,403,114-21,403,124 gives the same sequence; the c. name uses the placement nearest the transcript's 3' end. VCF-style (leftmost placement, unchanged base first): chr14-21403113-TAAGAAGACAA-T. GRCh37 (hg19) VCF-style: chr14-21871272-TAAGAAGACAA-T.
Other names: c.2771_2780del, p.Phe924fs (NM_020920.4); short protein forms F1203fs, F924fs.
Identifiers: ClinVar variation 4531472 (VCV004531472.1).
Genomic context (GRCh38, chr14:21,403,113, plus strand): 5'-GATGATGCAGGTATCAGCAGCTGTAAGATTAATACCAAGTCCACCAGCCCGGGTACACAG[TAAGAAGACAA>T]AGCGGTCTGAGTCAGGCTTGCTGAAGCGGTCAATGGCAGCCTGTCGAAGGTTGCCTCTAA-3'